The following is an entry in ClinVar:

NM_014425.5(INVS):c.2605G>A (p.Glu869Lys)

Gene: INVS (inversin; plus strand). Cytogenetic location: 9q31.1.
Variant type: single nucleotide variant.
Coding change: c.2605G>A on transcript NM_014425.5 (MANE Select); coding-DNA position 2605, G replaced by A.
Protein change: p.Glu869Lys; replaces glutamic acid 869 with lysine.
Molecular consequence: missense variant. On other transcripts: non-coding transcript variant (1).
Genome position (GRCh38, 1-based): chr9:100,292,862, G>A. VCF-style: chr9-100292862-G-A. GRCh37 (hg19) VCF-style: chr9-103055144-G-A.
Other names: c.2317G>A, p.Glu773Lys (NM_001318381.2); c.1627G>A, p.Glu543Lys (NM_001318382.2); short protein forms E869K, E543K, E773K.
Identifiers: ClinVar variation 2174236 (VCV002174236.1), dbSNP rs755324664, ClinGen allele CA5158662.

ClinVar aggregate classification (germline): Uncertain significance (1 of 4 stars; one submission).

Conditions:
Nephronophthisis. Also called: Juvenile Nephronophthisis. Identifiers: Orphanet 655, MedGen C0687120, MONDO:0019005, HP:0000090.

Allele frequency attached by ClinVar (database versions not stated): gnomAD exomes below 0.00001; ExAC 0.00001; gnomAD 0.00001.
gnomAD v4.1: 7 of 1,614,044 alleles (0.00043%); highest among the groups gnomAD compares: East Asian, 0.0022%; no homozygotes.

Submission:

Labcorp Genetics (formerly Invitae), Labcorp
Classification: Uncertain significance for Nephronophthisis. Last evaluated: 2022-07-27. Review status: criteria provided, single submitter. Criteria: Invitae Variant Classification Sherloc (09022015). Collection method: clinical testing. Allele origin: germline.
Comment: This sequence change replaces glutamic acid, which is acidic and polar, with lysine, which is basic and polar, at codon 869 of the INVS protein (p.Glu869Lys). This variant is present in population databases (rs755324664, gnomAD 0.01%). This variant has not been reported in the literature in individuals affected with INVS-related conditions. Algorithms developed to predict the effect of missense changes on protein structure and function output the following: SIFT: "Tolerated"; PolyPhen-2: "Benign"; Align-GVGD: "Class C0". The lysine amino acid residue is found in multiple mammalian species, which suggests that this missense change does not adversely affect protein function. In summary, the available evidence is currently insufficient to determine the role of this variant in disease. Therefore, it has been classified as a Variant of Uncertain Significance.